The following is an entry in ClinVar:

ClinVar aggregate classification (germline): Benign/Likely benign. Review status: criteria provided, multiple submitters, no conflicts (2 of 4 stars). 11 submissions from 11 submitters: Benign (8); Likely benign (1). 2 of the submissions do not count toward it. Last evaluated 2026-05-01.

Conditions:
Sessile serrated polyposis cancer syndrome (SSPCS). Identifiers: Orphanet 157798, MedGen C4310714, MONDO:0014919, OMIM 617108.

Allele frequency attached by ClinVar (database versions not stated): gnomAD exomes 0.00088 and 0.00203; ExAC 0.00237; gnomAD 0.00698 and 0.00733; 1000 Genomes Project 30x 0.00953; TOPMed 0.00765; ESP Exome Variant Server 0.00815; 1000 Genomes Project 0.00938.
gnomAD v4.1: 2,449 of 1,614,252 alleles (0.15%); highest among the groups gnomAD compares: African/African-American, 2.4%; 17 homozygotes.

Submissions (11):

CeGaT Center for Human Genetics Tuebingen
Classification: Benign. Last evaluated: 2026-05-01. Review status: criteria provided, single submitter. Criteria: CeGaT Center For Human Genetics Tuebingen Variant Classification Criteria Version 2. Collection method: clinical testing. Allele origin: germline. Affected: yes. Observed: 7 variant alleles.
Comment: RNF43: BP4, BS1, BS2

Labcorp Genetics (formerly Invitae), Labcorp
Classification: Benign. Last evaluated: 2026-01-25. Review status: criteria provided, single submitter. Criteria: Invitae Variant Classification Sherloc (09022015). Collection method: clinical testing. Allele origin: germline.

Center for Genomic Medicine, Rigshospitalet, Copenhagen University Hospital
Classification: Benign. Last evaluated: 2025-03-04. Review status: criteria provided, single submitter. Criteria: ACMG Guidelines, 2015. Collection method: clinical testing. Allele origin: germline.

Mayo Clinic Laboratories, Mayo Clinic
Classification: Likely benign. Last evaluated: 2024-12-22. Review status: criteria provided, single submitter. Criteria: ACMG Guidelines, 2015. Collection method: clinical testing. Allele origin: germline. Observed: 4 variant alleles.
Comment: BS1, BP4

Ambry Genetics
Classification: Benign. Last evaluated: 2024-07-30. Review status: criteria provided, single submitter. Criteria: Ambry Variant Classification Scheme 2023. Collection method: clinical testing. Allele origin: germline.

Genetic Services Laboratory, University of Chicago
Classification: Benign. Last evaluated: 2021-11-23. Review status: criteria provided, single submitter. Criteria: ACMG Guidelines, 2015. Collection method: clinical testing. Allele origin: germline. Affected: no.

Department of Pathology and Laboratory Medicine, Sinai Health System
Classification: Benign for Sessile serrated polyposis cancer syndrome. Last evaluated: 2021-10-27. Review status: criteria provided, single submitter. Criteria: ACMG Guidelines, 2015. Collection method: clinical testing. Allele origin: germline. Affected: no.

GeneDx
Classification: Benign. Last evaluated: 2021-05-20. Review status: criteria provided, single submitter. Criteria: GeneDx Variant Classification Process June 2021. Collection method: clinical testing. Allele origin: germline. Affected: yes.
Comment: This variant is associated with the following publications: (PMID: 28767289)

Breakthrough Genomics
Classification: Benign. Review status: criteria provided, single submitter. Criteria: ACMG Guidelines, 2015. Collection method: not provided. Allele origin: germline. Inheritance: Autosomal dominant inheritance. Affected: yes.

Clinical Genetics, Academic Medical Center
Classification: Benign. Review status: no assertion criteria provided. Collection method: clinical testing. Allele origin: germline. Affected: yes. Study: VKGL Data-share Consensus. Not counted in ClinVar's aggregate classification.

Genome Diagnostics Laboratory, Amsterdam University Medical Center
Classification: Benign. Review status: no assertion criteria provided. Collection method: clinical testing. Allele origin: germline. Affected: yes. Study: VKGL Data-share Consensus. Not counted in ClinVar's aggregate classification.

NM_017763.6(RNF43):c.2261G>C (p.Gly754Ala)

Gene: RNF43 (ring finger protein 43; minus strand). Cytogenetic location: 17q22.
Variant type: single nucleotide variant.
Coding change: c.2261G>C on transcript NM_017763.6 (MANE Select); coding-DNA position 2261, G replaced by C.
Protein change: p.Gly754Ala; replaces glycine 754 with alanine.
Molecular consequence: missense variant.
Genome position (GRCh38, 1-based): chr17:58,357,515, C>G on the plus strand (G>C on the coding strand, the complement: RNF43 is on the minus strand). VCF-style: chr17-58357515-C-G. GRCh37 (hg19) VCF-style: chr17-56434876-C-G.
Other names: p.Gly754Ala; c.2261G>C, p.Gly754Ala (NM_001305544.3); c.1880G>C, p.Gly627Ala (NM_001305545.2); short protein forms G627A, G754A.
Identifiers: ClinVar variation 1166723 (VCV001166723.40), dbSNP rs115553539, ClinGen allele CA8673046.